The following is an entry in ClinVar:

NM_002361.4(MAG):c.1782C>A (p.Asp594Glu)

Gene: MAG (myelin associated glycoprotein; plus strand). Cytogenetic location: 19q13.12.
Variant type: single nucleotide variant.
Coding change: c.1782C>A on transcript NM_002361.4 (MANE Select); coding-DNA position 1782, C replaced by A.
Protein change: p.Asp594Glu; replaces aspartic acid 594 with glutamic acid.
Molecular consequence: missense variant. On other transcripts: 3 prime UTR variant (1).
Genome position (GRCh38, 1-based): chr19:35,313,355, C>A. VCF-style: chr19-35313355-C-A. GRCh37 (hg19) VCF-style: chr19-35804258-C-A.
Other names: c.1707C>A, p.Asp569Glu (NM_001199216.2); c.*78C>A (NM_080600.3); c.1782C>A (NM_002361.3); short protein forms D594E, D569E.
Identifiers: ClinVar variation 1345617 (VCV001345617.4), dbSNP rs200067189, ClinGen allele CA9376420.

ClinVar aggregate classification (germline): Uncertain significance. Review status: criteria provided, multiple submitters, no conflicts (2 of 4 stars). 2 submissions from 2 submitters: Uncertain significance (2). Last evaluated 2024-06-17.

Conditions:
Hereditary spastic paraplegia 75. Also called: Spastic paraplegia 75, autosomal recessive. Identifiers: Orphanet 459056, MedGen C4225250, MONDO:0014729, OMIM 616680.
Inborn genetic diseases. Identifiers: MedGen C0950123, MeSH D030342.

Allele frequency attached by ClinVar (database versions not stated): gnomAD exomes 0.00002 and 0.00003; ExAC 0.00003; gnomAD 0.00006; TOPMed 0.00006.
gnomAD v4.1: 50 of 1,614,042 alleles (0.0031%); highest among the groups gnomAD compares: Middle Eastern, 0.082%; no homozygotes.

Submissions (2):

Ambry Genetics
Classification: Uncertain significance for Inborn genetic diseases. Last evaluated: 2024-06-17. Review status: criteria provided, single submitter. Criteria: Ambry Variant Classification Scheme 2023. Collection method: clinical testing. Allele origin: germline.

Labcorp Genetics (formerly Invitae), Labcorp
Classification: Uncertain significance for Hereditary spastic paraplegia 75. Last evaluated: 2022-05-04. Review status: criteria provided, single submitter. Criteria: Invitae Variant Classification Sherloc (09022015). Collection method: clinical testing. Allele origin: germline.
Comment: This sequence change replaces aspartic acid, which is acidic and polar, with glutamic acid, which is acidic and polar, at codon 594 of the MAG protein (p.Asp594Glu). This variant is present in population databases (rs200067189, gnomAD 0.009%). This variant has not been reported in the literature in individuals affected with MAG-related conditions. Algorithms developed to predict the effect of missense changes on protein structure and function are either unavailable or do not agree on the potential impact of this missense change (SIFT: "Deleterious"; PolyPhen-2: "Benign"; Align-GVGD: "Class C0"). In summary, the available evidence is currently insufficient to determine the role of this variant in disease. Therefore, it has been classified as a Variant of Uncertain Significance.